The following is an entry in ClinVar:

NM_016955.4(SEPSECS):c.1211+7A>G

Gene: SEPSECS (Sep (O-phosphoserine) tRNA:Sec (selenocysteine) tRNA synthase; minus strand). Cytogenetic location: 4p15.2.
Variant type: single nucleotide variant.
Coding change: c.1211+7A>G on transcript NM_016955.4 (MANE Select); 7 bases into the intron after coding-DNA position 1211, A replaced by G.
Molecular consequence: intron variant.
Genome position (GRCh38, 1-based): chr4:25,125,687, T>C on the plus strand (A>G on the coding strand, the complement: SEPSECS is on the minus strand). VCF-style: chr4-25125687-T-C. GRCh37 (hg19) VCF-style: chr4-25127309-T-C.
Identifiers: ClinVar variation 130287 (VCV000130287.22), dbSNP rs17408685, ClinGen allele CA155166.
Genomic context (GRCh38, chr4:25,125,687, plus strand): 5'-AAAGGTATTTTACTGGAGTTAAGTTTGAAAAGACAAATAAACCCATATCTATCTTAAACA[T>C]ACTTACCTGGCTCCAGAAACCTGTCTGGTAAAAAGCATCGAGCCAAGCTGAGTGACAGCT-3'

ClinVar aggregate classification (germline): Benign. Review status: criteria provided, multiple submitters, no conflicts (2 of 4 stars). 7 submissions from 7 submitters: Benign (6). 1 of the submissions does not count toward it. Last evaluated 2026-02-04.

Conditions:
Pontocerebellar hypoplasia type 2D (PCH2D). Also called: Progressive cerebello-cerebral atrophy. Identifiers: Orphanet 247198, Orphanet 2524, MedGen C3151140, MONDO:0013438, OMIM 613811.

Allele frequency attached by ClinVar (database versions not stated): gnomAD exomes 0.03398 and 0.04325; ESP Exome Variant Server 0.04499; gnomAD 0.04557 and 0.04608; TOPMed 0.04848; ExAC 0.05166; 1000 Genomes Project 30x 0.06793; 1000 Genomes Project 0.06869.
gnomAD v4.1: 56,980 of 1,595,370 alleles (3.6%); highest among the groups gnomAD compares: East Asian, 13%; 1,356 homozygotes.

Submissions (7):

Labcorp Genetics (formerly Invitae), Labcorp
Classification: Benign. Last evaluated: 2026-02-04. Review status: criteria provided, single submitter. Criteria: Invitae Variant Classification Sherloc (09022015). Collection method: clinical testing. Allele origin: germline.

Genome-Nilou Lab
Classification: Benign for Pontocerebellar hypoplasia type 2D. Last evaluated: 2021-07-10. Review status: criteria provided, single submitter. Criteria: ACMG Guidelines, 2015. Collection method: clinical testing. Allele origin: germline. Affected: no.

Illumina Laboratory Services, Illumina
Classification: Benign for Pontocerebellar hypoplasia type 2D. Last evaluated: 2018-01-13. Review status: criteria provided, single submitter. Criteria: ICSL Variant Classification Criteria 13 December 2019. Collection method: clinical testing. Allele origin: germline.
Comment: This variant was observed in the ICSL laboratory as part of a predisposition screen in an ostensibly healthy population. It had not been previously curated by ICSL or reported in the Human Gene Mutation Database (HGMD: prior to June 1st, 2018), and was therefore a candidate for classification through an automated scoring system. Utilizing variant allele frequency, disease prevalence and penetrance estimates, and inheritance mode, an automated score was calculated to assess if this variant is too frequent to cause the disease. Based on the score and internal cut-off values, a variant classified as benign is not then subjected to further curation. The score for this variant resulted in a classification of benign for this disease.

GeneDx
Classification: Benign. Last evaluated: 2016-05-18. Review status: criteria provided, single submitter. Criteria: GeneDx Variant Classification (06012015). Collection method: clinical testing. Allele origin: germline. Affected: yes.
Comment: This variant is considered likely benign or benign based on one or more of the following criteria: it is a conservative change, it occurs at a poorly conserved position in the protein, it is predicted to be benign by multiple in silico algorithms, and/or has population frequency not consistent with disease.

Genetic Services Laboratory, University of Chicago
Classification: Benign for AllHighlyPenetrant. Last evaluated: 2013-04-25. Review status: criteria provided, single submitter. Criteria: ACMG Guidelines, 2007. Collection method: clinical testing. Allele origin: germline. Inheritance: Autosomal recessive inheritance.

Breakthrough Genomics
Classification: Benign. Review status: criteria provided, single submitter. Criteria: ACMG Guidelines, 2015. Collection method: not provided. Allele origin: germline. Inheritance: Autosomal recessive inheritance. Affected: yes.

Natera, Inc.
Classification: Benign for Pontocerebellar hypoplasia type 2d. Last evaluated: 2020-09-16. Review status: no assertion criteria provided. Collection method: clinical testing. Allele origin: germline. Not counted in ClinVar's aggregate classification.